The following is an entry in ClinVar:

NM_053025.4(MYLK):c.4148C>G (p.Thr1383Arg)

Gene: MYLK (myosin light chain kinase; minus strand). Cytogenetic location: 3q21.1.
Variant type: single nucleotide variant.
Coding change: c.4148C>G on transcript NM_053025.4 (MANE Select); coding-DNA position 4148, C replaced by G.
Protein change: p.Thr1383Arg; replaces threonine 1383 with arginine.
Molecular consequence: missense variant.
Genome position (GRCh38, 1-based): chr3:123,657,266, G>C on the plus strand (C>G on the coding strand, the complement: MYLK is on the minus strand). VCF-style: chr3-123657266-G-C. GRCh37 (hg19) VCF-style: chr3-123376113-G-C.
Other names: c.4148C>G, p.Thr1383Arg (NM_053027.4); c.3941C>G, p.Thr1314Arg (NM_053028.4, NM_053026.4); c.3620C>G, p.Thr1207Arg (NM_001321309.2); short protein forms T1207R, T1383R, T1314R.
Identifiers: ClinVar variation 3915756 (VCV003915756.1).

ClinVar aggregate classification (germline): Uncertain significance (1 of 4 stars; one submission).

Conditions:
Familial thoracic aortic aneurysm and aortic dissection (TAAD). Also called: Thoracic aortic aneurysms and dissections. Identifiers: Orphanet 91387, MedGen C4707243, MONDO:0019625.

Submission:

Ambry Genetics
Classification: Uncertain significance for Familial thoracic aortic aneurysm and aortic dissection. Last evaluated: 2025-03-23. Review status: criteria provided, single submitter. Criteria: Ambry Variant Classification Scheme 2023. Collection method: clinical testing. Allele origin: germline.
Comment: The p.T1383R variant (also known as c.4148C>G), located in coding exon 21 of the MYLK gene, results from a C to G substitution at nucleotide position 4148. The threonine at codon 1383 is replaced by arginine, an amino acid with similar properties. This amino acid position is conserved. In addition, the in silico prediction for this alteration is inconclusive. Based on the available evidence, the clinical significance of this variant remains unclear.